The following is an entry in ClinVar:

ClinVar aggregate classification (germline): Uncertain significance. Review status: criteria provided, multiple submitters, no conflicts (2 of 4 stars). 3 submissions from 3 submitters: Uncertain significance (2). 1 of the submissions does not count toward it. Last evaluated 2026-09-14.

Conditions:
Hereditary cancer-predisposing syndrome. Also called: Tumor predisposition; Hereditary Cancer Syndrome; Hereditary neoplastic syndrome; Neoplastic Syndromes, Hereditary. Identifiers: Orphanet 140162, MedGen C0027672, MeSH D009386, MONDO:0015356.
Bloom syndrome (BLM). Also called: Bloom-Torre-Machacek syndrome. Identifiers: Orphanet 125, MedGen C0005859, MONDO:0008876, OMIM 210900.

Allele frequency attached by ClinVar (database versions not stated): TOPMed below 0.00001.

Submissions (3):

Ambry Genetics
Classification: Uncertain significance for Hereditary cancer-predisposing syndrome. Last evaluated: 2026-09-14. Review status: criteria provided, single submitter. Criteria: Ambry Variant Classification Scheme 2023. Collection method: clinical testing. Allele origin: germline.
Comment: The p.E346A variant (also known as c.1037A>C), located in coding exon 4 of the BLM gene, results from an A to C substitution at nucleotide position 1037. The glutamic acid at codon 346 is replaced by alanine, an amino acid with dissimilar properties. This amino acid position is conserved. In addition, this alteration is predicted to be tolerated by in silico analysis. Based on the available evidence, the clinical significance of this variant remains unclear.

Labcorp Genetics (formerly Invitae), Labcorp
Classification: Uncertain significance for Bloom syndrome. Last evaluated: 2020-06-07. Review status: criteria provided, single submitter. Criteria: Invitae Variant Classification Sherloc (09022015). Collection method: clinical testing. Allele origin: germline.
Comment: In summary, the available evidence is currently insufficient to determine the role of this variant in disease. Therefore, it has been classified as a Variant of Uncertain Significance. Algorithms developed to predict the effect of missense changes on protein structure and function (SIFT, PolyPhen-2, Align-GVGD) all suggest that this variant is likely to be tolerated, but these predictions have not been confirmed by published functional studies and their clinical significance is uncertain. This variant has not been reported in the literature in individuals with BLM-related conditions. This variant is not present in population databases (ExAC no frequency). This sequence change replaces glutamic acid with alanine at codon 346 of the BLM protein (p.Glu346Ala). The glutamic acid residue is weakly conserved and there is a moderate physicochemical difference between glutamic acid and alanine.

Natera, Inc.
Classification: Uncertain significance for Bloom syndrome. Last evaluated: 2021-05-18. Review status: no assertion criteria provided. Collection method: clinical testing. Allele origin: germline. Not counted in ClinVar's aggregate classification.

NM_000057.4(BLM):c.1037A>C (p.Glu346Ala)

Gene: BLM (BLM RecQ like helicase; plus strand). Cytogenetic location: 15q26.1.
Variant type: single nucleotide variant.
Coding change: c.1037A>C on transcript NM_000057.4 (MANE Select); coding-DNA position 1037, A replaced by C.
Protein change: p.Glu346Ala; replaces glutamic acid 346 with alanine.
Molecular consequence: missense variant. On other transcripts: 5 prime UTR variant (1).
Genome position (GRCh38, 1-based): chr15:90,754,888, A>C. VCF-style: chr15-90754888-A-C. GRCh37 (hg19) VCF-style: chr15-91298118-A-C.
Other names: c.1037A>C (NM_000057.2); c.1037A>C, p.Glu346Ala (NM_001287246.2, NM_001287247.2); c.-255A>C (NM_001287248.2); short protein forms E346A.
Identifiers: ClinVar variation 1042699 (VCV001042699.13), dbSNP rs1946402648, ClinGen allele CA393842149.
Genomic context (GRCh38, chr15:90,754,888, plus strand): 5'-ACACCTCTGACAGAAAAGAGGATGTTCTTAGCACATCAAAAGATCTTTTGTCAAAACCTG[A>C]GAAAATGAGTATGCAGGAGCTGAATCCAGAAACCAGCACAGACTGTGACGGTACAAGCAA-3'
Protein context (NP_000048.1, residues 336-356): STSKDLLSKP[Glu346Ala]KMSMQELNPE